The following is an entry in ClinVar:

NM_000256.3(MYBPC3):c.1180G>A (p.Val394Ile)

Gene: MYBPC3 (myosin binding protein C3; minus strand). Cytogenetic location: 11p11.2.
Variant type: single nucleotide variant.
Coding change: c.1180G>A on transcript NM_000256.3 (MANE Select); coding-DNA position 1180, G replaced by A.
Protein change: p.Val394Ile; replaces valine 394 with isoleucine.
Molecular consequence: missense variant.
Genome position (GRCh38, 1-based): chr11:47,343,535, C>T on the plus strand (G>A on the coding strand, the complement: MYBPC3 is on the minus strand). VCF-style: chr11-47343535-C-T. GRCh37 (hg19) VCF-style: chr11-47365086-C-T.
Other names: short protein forms V394I.
Identifiers: ClinVar variation 847649 (VCV000847649.3), dbSNP rs749000345, ClinGen allele CA043047.

ClinVar aggregate classification (germline): Uncertain significance (1 of 4 stars; one submission).

Conditions:
Hypertrophic cardiomyopathy. Also called: HYPERTROPHIC MYOCARDIOPATHY. Identifiers: Orphanet 217569, MedGen C0007194, MeSH D002312, MONDO:0005045, HP:0001639.

Allele frequency attached by ClinVar (database versions not stated): gnomAD exomes below 0.00001; ExAC 0.00001.
gnomAD v4.1: 1 of 1,608,120 alleles (0.000062%); highest among the groups gnomAD compares: Non-Finnish European, 0.000085%; no homozygotes.

Submission:

Labcorp Genetics (formerly Invitae), Labcorp
Classification: Uncertain significance for Hypertrophic cardiomyopathy. Last evaluated: 2024-08-06. Review status: criteria provided, single submitter. Criteria: Invitae Variant Classification Sherloc (09022015). Collection method: clinical testing. Allele origin: germline.
Comment: This sequence change replaces valine, which is neutral and non-polar, with isoleucine, which is neutral and non-polar, at codon 394 of the MYBPC3 protein (p.Val394Ile). The frequency data for this variant in the population databases is considered unreliable, as metrics indicate poor data quality at this position in the gnomAD database. This variant has not been reported in the literature in individuals affected with MYBPC3-related conditions. ClinVar contains an entry for this variant (Variation ID: 847649). An algorithm developed to predict the effect of missense changes on protein structure and function (PolyPhen-2) suggests that this variant is likely to be tolerated. In summary, the available evidence is currently insufficient to determine the role of this variant in disease. Therefore, it has been classified as a Variant of Uncertain Significance.